The following is an entry in ClinVar:

ClinVar aggregate classification (germline): Uncertain significance (1 of 4 stars; one submission).

Submission:

GeneDx
Classification: Uncertain significance. Last evaluated: 2023-12-27. Review status: criteria provided, single submitter. Criteria: GeneDx Variant Classification Process June 2021. Collection method: clinical testing. Allele origin: germline. Affected: yes.
Comment: Not observed at significant frequency in large population cohorts (gnomAD); In silico analysis supports that this missense variant does not alter protein structure/function; Has not been previously published as pathogenic or benign to our knowledge

NM_013450.4(BAZ2B):c.5728G>T (p.Ala1910Ser)

Gene: BAZ2B (bromodomain adjacent to zinc finger domain 2B; minus strand). Cytogenetic location: 2q24.2.
Variant type: single nucleotide variant.
Coding change: c.5728G>T on transcript NM_013450.4 (MANE Select); coding-DNA position 5728, G replaced by T.
Protein change: p.Ala1910Ser; replaces alanine 1910 with serine.
Molecular consequence: missense variant.
Genome position (GRCh38, 1-based): chr2:159,337,010, C>A on the plus strand (G>T on the coding strand, the complement: BAZ2B is on the minus strand). VCF-style: chr2-159337010-C-A. GRCh37 (hg19) VCF-style: chr2-160193521-C-A.
Other names: c.5620G>T, p.Ala1874Ser (NM_001289975.1); c.5671G>T, p.Ala1891Ser (NM_001329857.2); c.5653G>T, p.Ala1885Ser (NM_001329858.2); short protein forms A1874S, A1885S, A1891S, A1910S.
Identifiers: ClinVar variation 3367361 (VCV003367361.1).
Genomic context (GRCh38, chr2:159,337,010, plus strand): 5'-TAATTGATTTTTCCCATGCTATTGATTTCTGTAATTGCTGAATGCACAGAGCTACCTGTG[C>A]AGCACTGCGAGCTTCTGATAATGCCCTTCTCCATACCCTGAGCCCTGGAGCAATATCCTC-3'
Protein context (NP_038478.2, residues 1900-1920): RRALSEARSA[Ala1910Ser]QVALCIQQLQ